The following is an entry in ClinVar:

ClinVar aggregate classification (germline): Benign (1 of 4 stars; one submission).

Allele frequency attached by ClinVar (database versions not stated): 1000 Genomes Project 30x 0.29950; 1000 Genomes Project 0.30152; TOPMed 0.30685; gnomAD 0.31383 and 0.31858.
gnomAD v4.1: 48,600 of 152,088 alleles (32%); highest among the groups gnomAD compares: South Asian, 49%; 8,657 homozygotes.

Submission:

GeneDx
Classification: Benign. Last evaluated: 2018-06-14. Review status: criteria provided, single submitter. Criteria: GeneDx Variant Classification (06012015). Collection method: clinical testing. Allele origin: germline. Affected: yes.
Comment: This variant is considered likely benign or benign based on one or more of the following criteria: it is a conservative change, it occurs at a poorly conserved position in the protein, it is predicted to be benign by multiple in silico algorithms, and/or has population frequency not consistent with disease.

NM_006070.6(TFG):c.580+264T>C

Gene: TFG (trafficking from ER to golgi regulator; plus strand). Cytogenetic location: 3q12.2.
Variant type: single nucleotide variant.
Coding change: c.580+264T>C on transcript NM_006070.6 (MANE Select); 264 bases into the intron after coding-DNA position 580, T replaced by C.
Molecular consequence: intron variant.
Genome position (GRCh38, 1-based): chr3:100,732,936, T>C. VCF-style: chr3-100732936-T-C. GRCh37 (hg19) VCF-style: chr3-100451780-T-C.
Other names: c.580+264T>C (NM_001007565.2, NM_001195479.2, NM_001195478.2).
Identifiers: ClinVar variation 669897 (VCV000669897.1), dbSNP rs10936343, ClinGen allele CA15242868.